The following is an entry in ClinVar:

ClinVar aggregate classification (germline): Conflicting classifications of pathogenicity. Review status: criteria provided, conflicting classifications (1 of 4 stars). 5 submissions from 5 submitters: Uncertain significance (4); Likely benign (1). Last evaluated 2026-05-18.

Conditions:
Hereditary cancer-predisposing syndrome. Also called: Tumor predisposition; Hereditary Cancer Syndrome; Neoplastic Syndromes, Hereditary; Hereditary neoplastic syndrome. Identifiers: Orphanet 140162, MedGen C0027672, MeSH D009386, MONDO:0015356.
Neuroblastoma, susceptibility to, 3. Also called: ALK-Related Neuroblastic Tumor Susceptibility. Identifiers: Orphanet 635, MedGen C2751681, MONDO:0013083, OMIM 613014.

Allele frequency attached by ClinVar (database versions not stated): ESP Exome Variant Server 0.00008; TOPMed 0.00002.
gnomAD v4.1: 12 of 1,613,680 alleles (0.00074%); highest among the groups gnomAD compares: Admixed American, 0.005%; no homozygotes.

Submissions (5):

Ambry Genetics
Classification: Likely benign for Hereditary cancer-predisposing syndrome. Last evaluated: 2026-05-18. Review status: criteria provided, single submitter. Criteria: Ambry Variant Classification Scheme 2023. Collection method: clinical testing. Allele origin: germline.

Labcorp Genetics (formerly Invitae), Labcorp
Classification: Uncertain significance for Neuroblastoma, susceptibility to, 3. Last evaluated: 2025-11-19. Review status: criteria provided, single submitter. Criteria: Invitae Variant Classification Sherloc (09022015). Collection method: clinical testing. Allele origin: germline.
Comment: This sequence change replaces serine, which is neutral and polar, with arginine, which is basic and polar, at codon 691 of the ALK protein (p.Ser691Arg). This variant is present in population databases (rs370435082, gnomAD 0.0009%). This variant has not been reported in the literature in individuals affected with ALK-related conditions. ClinVar contains an entry for this variant (Variation ID: 643330). An algorithm developed to predict the effect of missense changes on protein structure and function (PolyPhen-2) suggests that this variant is likely to be disruptive. In summary, the available evidence is currently insufficient to determine the role of this variant in disease. Therefore, it has been classified as a Variant of Uncertain Significance.

Baylor Genetics
Classification: Uncertain significance for Neuroblastoma, susceptibility to, 3. Last evaluated: 2023-07-05. Review status: criteria provided, single submitter. Criteria: ACMG Guidelines, 2015. Collection method: clinical testing. Allele origin: unknown.

GeneDx
Classification: Uncertain significance. Last evaluated: 2023-02-28. Review status: criteria provided, single submitter. Criteria: GeneDx Variant Classification Process June 2021. Collection method: clinical testing. Allele origin: germline. Affected: yes.
Comment: Not observed at significant frequency in large population cohorts (gnomAD); In silico analysis supports that this missense variant has a deleterious effect on protein structure/function; Has not been previously published as pathogenic or benign to our knowledge; This variant is associated with the following publications: (PMID: 30981987)

Mendelics
Classification: Uncertain significance. Last evaluated: 2022-05-04. Review status: criteria provided, single submitter. Criteria: Mendelics Assertion Criteria 2019. Collection method: clinical testing. Allele origin: germline.

Literature cited by the submitters: PubMed 33606809 (cited by Ambry Genetics); PubMed 35534704 (cited by Ambry Genetics); PubMed 35980532 (cited by Ambry Genetics); PubMed 38874686 (cited by Ambry Genetics).

NM_004304.5(ALK):c.2073C>G (p.Ser691Arg)

Gene: ALK (ALK receptor tyrosine kinase; minus strand). Cytogenetic location: 2p23.2.
Variant type: single nucleotide variant.
Coding change: c.2073C>G on transcript NM_004304.5 (MANE Select); coding-DNA position 2073, C replaced by G.
Protein change: p.Ser691Arg; replaces serine 691 with arginine.
Molecular consequence: missense variant.
Genome position (GRCh38, 1-based): chr2:29,251,236, G>C on the plus strand (C>G on the coding strand, the complement: ALK is on the minus strand). VCF-style: chr2-29251236-G-C. GRCh37 (hg19) VCF-style: chr2-29474102-G-C.
Other names: short protein forms S691R.
Identifiers: ClinVar variation 643330 (VCV000643330.13), dbSNP rs370435082, ClinGen allele CA44650481.